The following is an entry in ClinVar:

NM_001458.5(FLNC):c.7313G>A (p.Gly2438Asp)

Genes: FLNC-AS1 (FLNC antisense RNA 1; minus strand), FLNC (filamin C; plus strand). Cytogenetic location: 7q32.1.
Variant type: single nucleotide variant.
Coding change: c.7313G>A on transcript NM_001458.5 (MANE Select); coding-DNA position 7313, G replaced by A.
Protein change: p.Gly2438Asp; replaces glycine 2438 with aspartic acid.
Molecular consequence: missense variant.
Genome position (GRCh38, 1-based): chr7:128,856,579, G>A. VCF-style: chr7-128856579-G-A. GRCh37 (hg19) VCF-style: chr7-128496633-G-A.
Other names: c.7214G>A, p.Gly2405Asp (NM_001127487.2); short protein forms G2405D, G2438D.
Identifiers: ClinVar variation 1483304 (VCV001483304.8), dbSNP rs2128940134, ClinGen allele CA369216728.
Genomic context (GRCh38, chr7:128,856,579, plus strand): 5'-AGACGGGGCTCAAGGTGAACCAGCCAGCGTCCTTTGCCGTGCAGCTGAACGGTGCCCGGG[G>A]CGTGATTGATGCCCGGGTGCACACACCCTCGGGGGCTGTGGAGGAGTGCTACGTCTCTGA-3'
Protein context (NP_001449.3, residues 2428-2448): SFAVQLNGAR[Gly2438Asp]VIDARVHTPS

ClinVar aggregate classification (germline): Uncertain significance (1 of 4 stars; one submission).

Conditions:
Myofibrillar myopathy 5. Also called: Filaminopathy (type); FILAMINOPATHY, AUTOSOMAL DOMINANT. Identifiers: Orphanet 171445, MedGen C1836050, MONDO:0012289, OMIM 609524.
Distal myopathy with posterior leg and anterior hand involvement. Also called: WILLIAMS DISTAL MYOPATHY. Identifiers: Orphanet 63273, MedGen C3279722, MONDO:0013550, OMIM 614065.
Hypertrophic cardiomyopathy 26. Also called: Cardiomyopathy, familial hypertrophic, 26. Identifiers: Orphanet 75249, MedGen C4310749, MONDO:0014883, OMIM 617047.

Submission:

Labcorp Genetics (formerly Invitae), Labcorp
Classification: Uncertain significance for Distal myopathy with posterior leg and anterior hand involvement; Myofibrillar myopathy 5; Hypertrophic cardiomyopathy 26. Last evaluated: 2021-02-22. Review status: criteria provided, single submitter. Criteria: Invitae Variant Classification Sherloc (09022015). Collection method: clinical testing. Allele origin: germline.
Comment: This sequence change replaces glycine with aspartic acid at codon 2438 of the FLNC protein (p.Gly2438Asp). The glycine residue is highly conserved and there is a moderate physicochemical difference between glycine and aspartic acid. This variant is not present in population databases (ExAC no frequency). This variant has not been reported in the literature in individuals with FLNC-related conditions. Algorithms developed to predict the effect of missense changes on protein structure and function are either unavailable or do not agree on the potential impact of this missense change (SIFT: "Deleterious"; PolyPhen-2: "Probably Damaging"; Align-GVGD: "Class C0"). In summary, the available evidence is currently insufficient to determine the role of this variant in disease. Therefore, it has been classified as a Variant of Uncertain Significance.